The following is an entry in ClinVar:

ClinVar aggregate classification (germline): Pathogenic/Likely pathogenic. Review status: criteria provided, multiple submitters, no conflicts (2 of 4 stars). 4 submissions from 4 submitters: Pathogenic (1); Likely pathogenic (2). 1 of the submissions does not count toward it. Last evaluated 2025-09-02.

Conditions:
Isovaleryl-CoA dehydrogenase deficiency (IVA). Also called: Isovaleric acidemia; ISOVALERIC ACID CoA DEHYDROGENASE DEFICIENCY; IVD DEFICIENCY; Classic Isovaleric Acidemia. Identifiers: Orphanet 33, MedGen C0268575, MONDO:0009475, OMIM 243500.

Allele frequency attached by ClinVar (database versions not stated): TOPMed 0.00001.

Submissions (4):

Labcorp Genetics (formerly Invitae), Labcorp
Classification: Pathogenic for Isovaleryl-CoA dehydrogenase deficiency. Last evaluated: 2025-09-02. Review status: criteria provided, single submitter. Criteria: Invitae Variant Classification Sherloc (09022015). Collection method: clinical testing. Allele origin: germline.
Comment: This sequence change replaces glycine, which is neutral and non-polar, with alanine, which is neutral and non-polar, at codon 159 of the IVD protein (p.Gly159Ala). This variant is not present in population databases (gnomAD no frequency). This missense change has been observed in individual(s) with isovaleric acidemia (PMID: 19099814, 33210480; internal data). In at least one individual the data is consistent with being in trans (on the opposite chromosome) from a pathogenic variant. ClinVar contains an entry for this variant (Variation ID: 1057882). An algorithm developed to predict the effect of missense changes on protein structure and function (PolyPhen-2) suggests that this variant is likely to be disruptive. For these reasons, this variant has been classified as Pathogenic.

Baylor Genetics
Classification: Likely pathogenic for Isovaleryl-CoA dehydrogenase deficiency. Last evaluated: 2024-03-24. Review status: criteria provided, single submitter. Criteria: ACMG Guidelines, 2015. Collection method: clinical testing. Allele origin: unknown.

Juno Genomics, Hangzhou Juno Genomics, Inc
Classification: Likely pathogenic for Isovaleryl-CoA dehydrogenase deficiency. Review status: criteria provided, single submitter. Criteria: ACMG Guidelines, 2015. Collection method: clinical testing. Allele origin: germline.
Comment: Absent from controls (or at extremely low frequency if recessive) in Genome Aggregation Database.;Multiple lines of computational evidence support a deleterious effect on the gene or gene product.;For recessive disorders, detected in trans with a pathogenic variant.;Patient's phenotype or family history is highly specific for a disease with a single genetic etiology.

Natera, Inc.
Classification: Uncertain significance for Isovaleryl-coa dehydrogenase deficiency. Last evaluated: 2021-08-18. Review status: no assertion criteria provided. Collection method: clinical testing. Allele origin: germline. Not counted in ClinVar's aggregate classification.

Literature cited by the submitters: PubMed 19099814 (cited by Labcorp Genetics (formerly Invitae), Labcorp); PubMed 33210480 (cited by Labcorp Genetics (formerly Invitae), Labcorp).

NM_002225.5(IVD):c.467G>C (p.Gly156Ala)

Gene: IVD (isovaleryl-CoA dehydrogenase; plus strand). Cytogenetic location: 15q15.1.
Variant type: single nucleotide variant.
Coding change: c.467G>C on transcript NM_002225.5 (MANE Select); coding-DNA position 467, G replaced by C.
Protein change: p.Gly156Ala; replaces glycine 156 with alanine.
Molecular consequence: missense variant. On other transcripts: non-coding transcript variant (1).
Genome position (GRCh38, 1-based): chr15:40,411,270, G>C. VCF-style: chr15-40411270-G-C. GRCh37 (hg19) VCF-style: chr15-40703469-G-C.
Other names: c.377G>C, p.Gly126Ala (NM_001159508.3); c.419G>C, p.Gly140Ala (NM_001354597.3); c.467G>C, p.Gly156Ala (NM_001354598.3, NM_001354601.3); c.554G>C, p.Gly185Ala (NM_001354599.3, NM_001354600.3); short protein forms G126A, G140A, G156A, G185A.
Identifiers: ClinVar variation 1057882 (VCV001057882.17), dbSNP rs1221254988, ClinGen allele CA391716972.
Genomic context (GRCh38, chr15:40,411,270, plus strand): 5'-CTAGGGTACTCTGAGGTTGTAACAAGGCCTGTTGGGGGTTTTCCTTGCAGCTGATCAGTG[G>C]TGAGTACATCGGAGCCCTGGCCATGAGTGAGCCCAATGCAGGCTCTGATGTTGTCTCTAT-3'
Protein context (NP_002216.3, residues 146-166): KEKYLPKLIS[Gly156Ala]EYIGALAMSE